The following is an entry in ClinVar:

ClinVar aggregate classification (germline): Likely pathogenic (1 of 4 stars; one submission).

Conditions:
Fabry disease. Also called: Fabry's disease; ALPHA-GALACTOSIDASE A DEFICIENCY; ANDERSON-FABRY DISEASE; CERAMIDE TRIHEXOSIDASE DEFICIENCY; GLA DEFICIENCY; HEREDITARY DYSTOPIC LIPIDOSIS. Identifiers: Orphanet 324, MedGen C0002986, MONDO:0010526, OMIM 301500, HP:0001071. Disease mechanism: Fabry disease is due to inactivating mutations in the X-linked GLA gene resulting in deficiency of the enzyme Alpha Galactosidase-A., loss of function.

Submission:

Genomenon, Inc
Classification: Likely pathogenic for Fabry disease. Last evaluated: 2026-09-08. Review status: criteria provided, single submitter. Criteria: Genomenon Sequence Variant Interpretation Standards - Updated. Collection method: curation. Allele origin: germline. Affected: no.
Comment: GLA p.Cys56Arg (c.166T>C) is a missense variant that changes the amino acid at codon 56 from Cysteine to Arginine. This variant has been reported in the published literature (PMID:27008195). At least one functional study has demonstrated a substantial alteration in protein function relative to the wild-type (PMID:31613176). This variant is located in a mutational hotspot and/or important functional domain. It is absent or not present at a significant frequency in gnomAD. In silico models predict that this variant is possibly or probably damaging. In conclusion, we classify GLA p.Cys56Arg (c.166T>C) as a likely pathogenic variant.

Literature cited by the submitters: PubMed 27008195; PubMed 31613176.

NM_000169.3(GLA):c.166T>C (p.Cys56Arg)

Genes: GLA (galactosidase alpha; minus strand), RPL36A-HNRNPH2 (RPL36A-HNRNPH2 readthrough; plus strand). Cytogenetic location: Xq22.1.
Variant type: single nucleotide variant.
Coding change: c.166T>C on transcript NM_000169.3 (MANE Select); coding-DNA position 166, T replaced by C.
Protein change: p.Cys56Arg; replaces cysteine 56 with arginine.
Molecular consequence: missense variant. On other transcripts: non-coding transcript variant (3), intron variant (2).
Genome position (GRCh38, 1-based): chrX:101,407,738, A>G on the plus strand (T>C on the coding strand, the complement: GLA is on the minus strand). VCF-style: chrX-101407738-A-G. GRCh37 (hg19) VCF-style: chrX-100662726-A-G.
Other names: c.166T>C, p.Cys56Arg (NM_001406747.1, NM_001406748.1, NM_001406749.1); c.301-4198A>G (NM_001199973.2); c.178-4198A>G (NM_001199974.2); short protein forms C56R.
Identifiers: ClinVar variation 4974861 (VCV004974861.1).